The following is an entry in ClinVar:

NM_001029871.4(RSPO4):c.571C>T (p.Pro191Ser)

Gene: RSPO4 (R-spondin 4; minus strand). Cytogenetic location: 20p13.
Variant type: single nucleotide variant.
Coding change: c.571C>T on transcript NM_001029871.4 (MANE Select); coding-DNA position 571, C replaced by T.
Protein change: p.Pro191Ser; replaces proline 191 with serine.
Molecular consequence: missense variant. On other transcripts: intron variant (1).
Genome position (GRCh38, 1-based): chr20:963,959, G>A on the plus strand (C>T on the coding strand, the complement: RSPO4 is on the minus strand). VCF-style: chr20-963959-G-A. GRCh37 (hg19) VCF-style: chr20-944602-G-A.
Other names: c.409+3215C>T (NM_001040007.3); short protein forms P191S.
Identifiers: ClinVar variation 3040155 (VCV003040155.2), dbSNP rs138935370, ClinGen allele CA9725591.

ClinVar aggregate classification (germline): Benign (0 of 4 stars; one submission).

Conditions:
RSPO4-related disorder. Also called: RSPO4-related condition.

Allele frequency attached by ClinVar (database versions not stated): ExAC 0.00077; ESP Exome Variant Server 0.00226; 1000 Genomes Project 0.00300; gnomAD 0.00302; 1000 Genomes Project 30x 0.00328; TOPMed 0.00335.
gnomAD v4.1: 846 of 1,614,042 alleles (0.052%); highest among the groups gnomAD compares: African/African-American, 1%; 5 homozygotes.

Submission:

PreventionGenetics, part of Exact Sciences
Classification: Benign for RSPO4-related condition. Last evaluated: 2019-10-28. Review status: no assertion criteria provided. Collection method: clinical testing. Allele origin: germline.
Comment: This variant is classified as benign based on ACMG/AMP sequence variant interpretation guidelines (Richards et al. 2015 PMID: 25741868, with internal and published modifications).